The following is an entry in ClinVar:

NM_000038.6(APC):c.4989A>G (p.Glu1663=)

Gene: APC (APC regulator of Wnt signaling pathway; plus strand). Cytogenetic location: 5q22.2.
Variant type: single nucleotide variant.
Coding change: c.4989A>G on transcript NM_000038.6 (MANE Select); coding-DNA position 4989, A replaced by G.
Protein change: p.Glu1663=; no amino-acid change (glutamic acid 1663 retained).
Molecular consequence: synonymous variant.
Genome position (GRCh38, 1-based): chr5:112,840,583, A>G. VCF-style: chr5-112840583-A-G. GRCh37 (hg19) VCF-style: chr5-112176280-A-G.
Other names: c.4989A>G, p.Glu1663= (NM_001127510.3, NM_001354895.2); c.4935A>G, p.Glu1645= (NM_001127511.3); c.5043A>G, p.Glu1681= (NM_001354896.2); c.5019A>G, p.Glu1673= (NM_001354897.2); c.4914A>G, p.Glu1638= (NM_001354898.2); c.4905A>G, p.Glu1635= (NM_001354899.2); c.4866A>G, p.Glu1622= (NM_001354900.2); c.4812A>G, p.Glu1604= (NM_001354901.2); and 5 more.
Identifiers: ClinVar variation 215567 (VCV000215567.19), dbSNP rs863224284, ClinGen allele CA338027.

ClinVar aggregate classification (germline): Benign/Likely benign. Review status: criteria provided, multiple submitters, no conflicts (2 of 4 stars). 4 submissions from 4 submitters: Benign (1); Likely benign (3). Last evaluated 2025-07-30.

Conditions:
Hereditary cancer-predisposing syndrome. Also called: Hereditary neoplastic syndrome; Neoplastic Syndromes, Hereditary; Tumor predisposition; Hereditary Cancer Syndrome. Identifiers: Orphanet 140162, MedGen C0027672, MeSH D009386, MONDO:0015356.
Familial adenomatous polyposis 1 (FAP1). Also called: POLYPOSIS, ADENOMATOUS INTESTINAL; FAMILIAL ADENOMATOUS POLYPOSIS 1, ATTENUATED. Identifiers: MedGen C2713442, MONDO:0021056, OMIM 175100. Disease mechanism: loss of function.

Allele frequency attached by ClinVar (database versions not stated): gnomAD exomes below 0.00001.
gnomAD v4.1: 1 of 1,614,142 alleles (0.000062%); highest among the groups gnomAD compares: Non-Finnish European, 0.000085%; no homozygotes.

Submissions (4):

Labcorp Genetics (formerly Invitae), Labcorp
Classification: Likely benign for Familial adenomatous polyposis 1. Last evaluated: 2025-07-30. Review status: criteria provided, single submitter. Criteria: Invitae Variant Classification Sherloc (09022015). Collection method: clinical testing. Allele origin: germline.

Myriad Genetics, Inc.
Classification: Benign for Familial adenomatous polyposis 1. Last evaluated: 2024-03-28. Review status: criteria provided, single submitter. Criteria: Myriad Autosomal Dominant, Autosomal Recessive and X-Linked Classification Criteria (2023). Collection method: clinical testing. Allele origin: unknown.
Comment: This variant is considered benign. This variant is a silent/synonymous amino acid change and it is not expected to impact splicing.

Ambry Genetics
Classification: Likely benign for Hereditary cancer-predisposing syndrome. Last evaluated: 2017-12-12. Review status: criteria provided, single submitter. Criteria: Ambry Variant Classification Scheme 2023. Collection method: clinical testing. Allele origin: germline.

Color Diagnostics, LLC DBA Color Health
Classification: Likely benign for Hereditary cancer-predisposing syndrome. Last evaluated: 2016-11-22. Review status: criteria provided, single submitter. Criteria: ACMG Guidelines, 2015. Collection method: clinical testing. Allele origin: germline.